The following is an entry in ClinVar:

NM_001904.4(CTNNB1):c.1185+3A>G

Genes: CTNNB1 (catenin beta 1; plus strand), LOC126806659 (BRD4-independent group 4 enhancer GRCh37_chr3:41274918-41276117; plus strand). Cytogenetic location: 3p22.1.
Variant type: single nucleotide variant.
Coding change: c.1185+3A>G on transcript NM_001904.4 (MANE Select); 3 bases into the intron after coding-DNA position 1185, A replaced by G.
Molecular consequence: intron variant.
Genome position (GRCh38, 1-based): chr3:41,233,447, A>G. VCF-style: chr3-41233447-A-G. GRCh37 (hg19) VCF-style: chr3-41274938-A-G.
Other names: c.1164+3A>G (NM_001330729.2); c.1185+3A>G (NM_001098209.2, NM_001098210.2).
Identifiers: ClinVar variation 3681342 (VCV003681342.2).

ClinVar aggregate classification (germline): Uncertain significance (1 of 4 stars; one submission).

gnomAD v4.1: 6 of 1,614,166 alleles (0.00037%); highest among the groups gnomAD compares: Non-Finnish European, 0.00051%; no homozygotes.

Submission:

Labcorp Genetics (formerly Invitae), Labcorp
Classification: Uncertain significance. Last evaluated: 2025-01-13. Review status: criteria provided, single submitter. Criteria: Invitae Variant Classification Sherloc (09022015). Collection method: clinical testing. Allele origin: germline.
Comment: This sequence change falls in intron 8 of the CTNNB1 gene. It does not directly change the encoded amino acid sequence of the CTNNB1 protein. It affects a nucleotide within the consensus splice site. This variant is present in population databases (rs772630556, gnomAD 0.0009%). This variant has not been reported in the literature in individuals affected with CTNNB1-related conditions. Variants that disrupt the consensus splice site are a relatively common cause of aberrant splicing (PMID: 17576681, 9536098). Algorithms developed to predict the effect of sequence changes on RNA splicing suggest that this variant is not likely to affect RNA splicing. In summary, the available evidence is currently insufficient to determine the role of this variant in disease. Therefore, it has been classified as a Variant of Uncertain Significance.

Literature cited by the submitters: PubMed 17576681; PubMed 9536098.